The following is an entry in ClinVar:

ClinVar aggregate classification (germline): Conflicting classifications of pathogenicity. Review status: criteria provided, conflicting classifications (1 of 4 stars). 2 submissions from 2 submitters: Uncertain significance (1); Likely benign (1). Last evaluated 2024-11-05.

Allele frequency attached by ClinVar (database versions not stated): ExAC 0.00002; gnomAD 0.00003; TOPMed 0.00005; ESP Exome Variant Server 0.00008.
gnomAD v4.1: 30 of 1,613,922 alleles (0.0019%); highest among the groups gnomAD compares: South Asian, 0.0099%; no homozygotes.

Submissions (2):

Labcorp Genetics (formerly Invitae), Labcorp
Classification: Uncertain significance. Last evaluated: 2024-11-05. Review status: criteria provided, single submitter. Criteria: Invitae Variant Classification Sherloc (09022015). Collection method: clinical testing. Allele origin: germline.
Comment: This sequence change replaces valine, which is neutral and non-polar, with isoleucine, which is neutral and non-polar, at codon 331 of the KL protein (p.Val331Ile). This variant is present in population databases (rs370772575, gnomAD 0.02%). This variant has not been reported in the literature in individuals affected with KL-related conditions. ClinVar contains an entry for this variant (Variation ID: 2715648). Invitae Evidence Modeling of protein sequence and biophysical properties (such as structural, functional, and spatial information, amino acid conservation, physicochemical variation, residue mobility, and thermodynamic stability) indicates that this missense variant is not expected to disrupt KL protein function with a negative predictive value of 80%. In summary, the available evidence is currently insufficient to determine the role of this variant in disease. Therefore, it has been classified as a Variant of Uncertain Significance.

Ambry Genetics
Classification: Likely benign. Last evaluated: 2024-07-14. Review status: criteria provided, single submitter. Criteria: Ambry Variant Classification Scheme 2023. Collection method: clinical testing. Allele origin: germline.

NM_004795.4(KL):c.991G>A (p.Val331Ile)

Gene: KL (klotho; plus strand). Cytogenetic location: 13q13.1.
Variant type: single nucleotide variant.
Coding change: c.991G>A on transcript NM_004795.4 (MANE Select); coding-DNA position 991, G replaced by A.
Protein change: p.Val331Ile; replaces valine 331 with isoleucine.
Molecular consequence: missense variant.
Genome position (GRCh38, 1-based): chr13:33,053,938, G>A. VCF-style: chr13-33053938-G-A. GRCh37 (hg19) VCF-style: chr13-33628075-G-A.
Other names: c.991G>A (NM_004795.3); short protein forms V331I.
Identifiers: ClinVar variation 2715648 (VCV002715648.4), dbSNP rs370772575, ClinGen allele CA6944013.